The following is an entry in ClinVar:

NM_001853.4(COL9A3):c.1529C>T (p.Thr510Met)

Genes: COL9A3 (collagen type IX alpha 3 chain; plus strand), LOC126863084 (MED14-independent group 3 enhancer GRCh37_chr20:61467141-61468340; plus strand). Cytogenetic location: 20q13.33.
Variant type: single nucleotide variant.
Coding change: c.1529C>T on transcript NM_001853.4 (MANE Select); coding-DNA position 1529, C replaced by T.
Protein change: p.Thr510Met; replaces threonine 510 with methionine.
Molecular consequence: missense variant.
Genome position (GRCh38, 1-based): chr20:62,836,314, C>T. VCF-style: chr20-62836314-C-T. GRCh37 (hg19) VCF-style: chr20-61467666-C-T.
Other names: short protein forms T510M.
Identifiers: ClinVar variation 1115961 (VCV001115961.13), dbSNP rs200521238, ClinGen allele CA9950012.

ClinVar aggregate classification (germline): Conflicting classifications of pathogenicity. Review status: criteria provided, conflicting classifications (1 of 4 stars). 4 submissions from 4 submitters: Uncertain significance (3); Likely benign (1). Last evaluated 2026-01-08.

Conditions:
Inborn genetic diseases. Identifiers: MedGen C0950123, MeSH D030342.
COL9A3-related disorder. Also called: COL9A3-related condition.

Allele frequency attached by ClinVar (database versions not stated): gnomAD 0.00012 and 0.00014; gnomAD exomes 0.00012 and 0.00015; ExAC 0.00013; TOPMed 0.00013.
gnomAD v4.1: 207 of 1,613,704 alleles (0.013%); highest among the groups gnomAD compares: Middle Eastern, 0.082%; no homozygotes.

Submissions (4):

Labcorp Genetics (formerly Invitae), Labcorp
Classification: Likely benign. Last evaluated: 2026-01-08. Review status: criteria provided, single submitter. Criteria: Invitae Variant Classification Sherloc (09022015). Collection method: clinical testing. Allele origin: germline.

PreventionGenetics, part of Exact Sciences
Classification: Uncertain significance for COL9A3-related condition. Last evaluated: 2025-11-17. Review status: criteria provided, single submitter. Criteria: ACMG Guidelines, 2015. Collection method: clinical testing. Allele origin: germline.
Comment: The COL9A3 c.1529C>T variant is predicted to result in the amino acid substitution p.Thr510Met. To our knowledge, this variant has not been reported in the literature. This variant is reported in 0.057% of alleles in individuals of Latino descent in gnomAD. Although we suspect that this variant may be benign, at this time, the clinical significance of this variant is uncertain due to the absence of conclusive functional and genetic evidence.

GeneDx
Classification: Uncertain significance. Last evaluated: 2023-05-10. Review status: criteria provided, single submitter. Criteria: GeneDx Variant Classification Process June 2021. Collection method: clinical testing. Allele origin: germline. Affected: yes.
Comment: Has not been previously published as pathogenic or benign to our knowledge; In silico analysis supports that this missense variant has a deleterious effect on protein structure/function

Ambry Genetics
Classification: Uncertain significance for Inborn genetic diseases. Last evaluated: 2021-08-02. Review status: criteria provided, single submitter. Criteria: Ambry Variant Classification Scheme 2023. Collection method: clinical testing. Allele origin: germline.